The following is an entry in ClinVar:

NM_000208.4(INSR):c.*2565C>T

Gene: INSR (insulin receptor; minus strand). Cytogenetic location: 19p13.2.
Variant type: single nucleotide variant.
Coding change: c.*2565C>T on transcript NM_000208.4 (MANE Select); 2565 bases downstream of the stop codon, C replaced by T.
Molecular consequence: 3 prime UTR variant.
Genome position (GRCh38, 1-based): chr19:7,114,491, G>A on the plus strand (C>T on the coding strand, the complement: INSR is on the minus strand). VCF-style: chr19-7114491-G-A. GRCh37 (hg19) VCF-style: chr19-7114502-G-A.
Other names: c.*2565C>T (NM_001079817.3).
Identifiers: ClinVar variation 330382 (VCV000330382.5), dbSNP rs117532686, ClinGen allele CA10643382.

ClinVar aggregate classification (germline): Likely benign. Review status: criteria provided, single submitter (1 of 4 stars). 3 submissions from 1 submitter: Likely benign (3). Last evaluated 2018-01-13.

Conditions:
Insulin-resistant diabetes mellitus AND acanthosis nigricans. Also called: Insulin-resistance syndrome type A; INSULIN RECEPTOR, DEFECT IN, WITH INSULIN-RESISTANT DIABETES MELLITUS AND ACANTHOSIS NIGRICANS; IRAN, TYPE A; type A insulin resistance; DIABETES MELLITUS, INSULIN-RESISTANT, WITH ACANTHOSIS NIGRICANS, TYPE A. Identifiers: Orphanet 2297, MedGen C0342278, MONDO:0012520, OMIM 610549.
Rabson-Mendenhall syndrome. Also called: MENDENHALL SYNDROME; Pineal Hyperplasia, Insulin-Resistant Diabetes Mellitus, and Somatic Abnormalities; Pineal hyperplasia AND diabetes mellitus syndrome. Identifiers: Orphanet 769, MedGen C0271695, MONDO:0009874, OMIM 262190.
Leprechaunism syndrome. Also called: Donohue syndrome; LEPRECHAUNISM. Identifiers: Orphanet 508, MedGen C0265344, MONDO:0009517, OMIM 246200.

Allele frequency attached by ClinVar (database versions not stated): gnomAD 0.00029 and 0.00054; TOPMed 0.00048; 1000 Genomes Project 30x 0.00265; 1000 Genomes Project 0.00280.

Submissions (3):

Illumina Laboratory Services, Illumina
Classification: Likely benign for Insulin-resistant diabetes mellitus AND acanthosis nigricans. Last evaluated: 2018-01-13. Review status: criteria provided, single submitter. Criteria: ICSL Variant Classification Criteria 13 December 2019. Collection method: clinical testing. Allele origin: germline.
Comment: This variant was observed in the ICSL laboratory as part of a predisposition screen in an ostensibly healthy population. It had not been previously curated by ICSL or reported in the Human Gene Mutation Database (HGMD: prior to June 1st, 2018), and was therefore a candidate for classification through an automated scoring system. Utilizing variant allele frequency, disease prevalence and penetrance estimates, and inheritance mode, an automated score was calculated to assess if this variant is too frequent to cause the disease. Based on the score and internal cut-off values, a variant classified as likely benign is not then subjected to further curation. The score for this variant resulted in a classification of likely benign for this disease.

Illumina Laboratory Services, Illumina
Classification: Likely benign for Leprechaunism syndrome. Last evaluated: 2018-01-13. Review status: criteria provided, single submitter. Criteria: ICSL Variant Classification Criteria 13 December 2019. Collection method: clinical testing. Allele origin: germline.
Comment: the same text as in the submission from Illumina Laboratory Services, Illumina above.

Illumina Laboratory Services, Illumina
Classification: Likely benign for Rabson-Mendenhall syndrome. Last evaluated: 2018-01-13. Review status: criteria provided, single submitter. Criteria: ICSL Variant Classification Criteria 13 December 2019. Collection method: clinical testing. Allele origin: germline.
Comment: the same text as in the submission from Illumina Laboratory Services, Illumina above.